The following is an entry in ClinVar:

ClinVar aggregate classification (germline): Benign/Likely benign. Review status: criteria provided, multiple submitters, no conflicts (2 of 4 stars). 11 submissions from 11 submitters: Benign (5); Likely benign (3). 3 of the submissions do not count toward it. Last evaluated 2026-02-03.

Conditions:
Early-infantile DEE. Also called: Ohtahara syndrome; Early infantile epileptic encephalopathy; Early infantile epileptic encephalopathy with suppression bursts. Identifiers: Orphanet 1934, MedGen C0393706, MONDO:0800491.
Inborn genetic diseases. Identifiers: MedGen C0950123, MeSH D030342.
Developmental and epileptic encephalopathy, 7 (DEE7). Also called: Early infantile epileptic encephalopathy 7; KCNQ2-Related Neonatal Epileptic Encephalopathy; KCNQ2-Related Neonatal-Onset Developmental and Epileptic Encephalopathy (NEO-DEE). Identifiers: Orphanet 439218, MedGen C3150986, MONDO:0013387, OMIM 613720.

Allele frequency attached by ClinVar (database versions not stated): gnomAD exomes 0.00054 and 0.00137; ExAC 0.00164; gnomAD 0.00481 and 0.00509; 1000 Genomes Project 30x 0.00484; 1000 Genomes Project 0.00539; TOPMed 0.00563; ESP Exome Variant Server 0.00600.
gnomAD v4.1: 1,541 of 1,613,512 alleles (0.096%); highest among the groups gnomAD compares: African/African-American, 1.7%; 8 homozygotes.

Submissions (11):

Labcorp Genetics (formerly Invitae), Labcorp
Classification: Benign for Early-infantile DEE. Last evaluated: 2026-02-03. Review status: criteria provided, single submitter. Criteria: Invitae Variant Classification Sherloc (09022015). Collection method: clinical testing. Allele origin: germline.

Blueprint Genetics
Classification: Likely benign. Last evaluated: 2024-10-24. Review status: criteria provided, single submitter. Criteria: ACMG Guidelines, 2015. Collection method: clinical testing. Allele origin: germline.

Athena Diagnostics
Classification: Benign. Last evaluated: 2020-01-06. Review status: criteria provided, single submitter. Criteria: Athena Diagnostics Criteria. Collection method: clinical testing. Allele origin: unknown.

Center for Pediatric Genomic Medicine, Children's Mercy Hospital and Clinics
Classification: Likely benign. Last evaluated: 2017-08-11. Review status: criteria provided, single submitter. Criteria: ACMG Guidelines, 2015. Collection method: clinical testing. Allele origin: germline.

Genetic Services Laboratory, University of Chicago
Classification: Benign. Last evaluated: 2017-05-05. Review status: criteria provided, single submitter. Criteria: ACMG Guidelines, 2015. Collection method: clinical testing. Allele origin: germline. Affected: no.

Ambry Genetics
Classification: Benign for Inborn genetic diseases. Last evaluated: 2016-03-24. Review status: criteria provided, single submitter. Criteria: Ambry Variant Classification Scheme 2023. Collection method: clinical testing. Allele origin: germline.

GeneDx
Classification: Benign. Last evaluated: 2013-01-31. Review status: criteria provided, single submitter. Criteria: GeneDx Variant Classification (06012015). Collection method: clinical testing. Allele origin: germline. Affected: yes.
Comment: This variant is considered likely benign or benign based on one or more of the following criteria: it is a conservative change, it occurs at a poorly conserved position in the protein, it is predicted to be benign by multiple in silico algorithms, and/or has population frequency not consistent with disease.

Breakthrough Genomics
Classification: Likely benign. Review status: criteria provided, single submitter. Criteria: ACMG Guidelines, 2015. Collection method: not provided. Allele origin: germline. Inheritance: Autosomal dominant inheritance. Affected: yes.

Clinical Genetics DNA and cytogenetics Diagnostics Lab, Erasmus MC, Erasmus Medical Center
Classification: Likely benign. Review status: no assertion criteria provided. Collection method: clinical testing. Allele origin: germline. Affected: yes. Study: VKGL Data-share Consensus. Not counted in ClinVar's aggregate classification.

GeneReviews
No classification provided. Condition: Developmental and epileptic encephalopathy, 7. Review status: no classification provided. Collection method: literature only. Allele origin: germline. Affected: yes. Not counted in ClinVar's aggregate classification.
Comment: EE (epileptic encephalopathy)

Genome Diagnostics Laboratory, University Medical Center Utrecht
Classification: Likely benign. Review status: no assertion criteria provided. Collection method: clinical testing. Allele origin: germline. Affected: yes. Study: VKGL Data-share Consensus. Not counted in ClinVar's aggregate classification.

Literature cited by the submitters: PubMed 25959266 (cited by Athena Diagnostics and GeneReviews); NCBI Bookshelf NBK32534 (cited by GeneReviews).

NM_172107.4(KCNQ2):c.1689C>T (p.Asp563=)

Gene: KCNQ2 (potassium voltage-gated channel subfamily Q member 2; minus strand). Cytogenetic location: 20q13.33.
Variant type: single nucleotide variant.
Coding change: c.1689C>T on transcript NM_172107.4 (MANE Select); coding-DNA position 1689, C replaced by T.
Protein change: p.Asp563=; no amino-acid change (aspartic acid 563 retained).
Molecular consequence: synonymous variant.
Genome position (GRCh38, 1-based): chr20:63,413,524, G>A on the plus strand (C>T on the coding strand, the complement: KCNQ2 is on the minus strand). VCF-style: chr20-63413524-G-A. GRCh37 (hg19) VCF-style: chr20-62044877-G-A.
Other names: p.D563D:GAC>GAT; c.1605C>T, p.Asp535= (NM_004518.6); c.1635C>T, p.Asp545= (NM_172106.3); c.1596C>T, p.Asp532= (NM_172108.5).
Identifiers: ClinVar variation 138026 (VCV000138026.28), dbSNP rs35450031, ClinGen allele CA291801.